The following is an entry in ClinVar:

NM_000393.5(COL5A2):c.2376A>C (p.Gly792=)

Gene: COL5A2 (collagen type V alpha 2 chain; minus strand). Cytogenetic location: 2q32.2.
Variant type: single nucleotide variant.
Coding change: c.2376A>C on transcript NM_000393.5 (MANE Select); coding-DNA position 2376, A replaced by C.
Protein change: p.Gly792=; no amino-acid change (glycine 792 retained).
Molecular consequence: synonymous variant.
Genome position (GRCh38, 1-based): chr2:189,056,988, T>G on the plus strand (A>C on the coding strand, the complement: COL5A2 is on the minus strand). VCF-style: chr2-189056988-T-G. GRCh37 (hg19) VCF-style: chr2-189921714-T-G.
Other names: c.2376A>C (NM_000393.4).
Identifiers: ClinVar variation 196936 (VCV000196936.25), dbSNP rs35860166, ClinGen allele CA202640.

ClinVar aggregate classification (germline): Benign/Likely benign. Review status: criteria provided, multiple submitters, no conflicts (2 of 4 stars). 8 submissions from 8 submitters: Benign (4); Likely benign (3). 1 of the submissions does not count toward it. Last evaluated 2025-12-16.

Conditions:
Ehlers-Danlos syndrome, classic type, 1 (EDSCL1). Also called: Ehlers-Danlos syndrome, type 1; EHLERS-DANLOS SYNDROME, GRAVIS TYPE; EHLERS-DANLOS SYNDROME, SEVERE CLASSIC TYPE; EDS I; Ehlers-Danlos Syndrome, Classic Type, COL5A1-Related. Identifiers: MedGen C0268335, MONDO:0019567, OMIM 130000.
COL5A2-related disorder. Also called: COL5A2-related condition.
Familial thoracic aortic aneurysm and aortic dissection (TAAD). Also called: Thoracic aortic aneurysms and dissections. Identifiers: Orphanet 91387, MedGen C4707243, MONDO:0019625.

Allele frequency attached by ClinVar (database versions not stated): gnomAD exomes 0.00007 and 0.00023; ESP Exome Variant Server 0.00031; ExAC 0.00032; gnomAD 0.00078 and 0.00081; TOPMed 0.00080; 1000 Genomes Project 0.00180; 1000 Genomes Project 30x 0.00187.
gnomAD v4.1: 242 of 1,614,086 alleles (0.015%); highest among the groups gnomAD compares: African/African-American, 0.25%; 1 homozygote.

Submissions (8):

Labcorp Genetics (formerly Invitae), Labcorp
Classification: Benign for Ehlers-Danlos syndrome, classic type, 1. Last evaluated: 2025-12-16. Review status: criteria provided, single submitter. Criteria: Invitae Variant Classification Sherloc (09022015). Collection method: clinical testing. Allele origin: germline.

Blueprint Genetics
Classification: Likely benign. Last evaluated: 2024-08-06. Review status: criteria provided, single submitter. Criteria: ACMG Guidelines, 2015. Collection method: clinical testing. Allele origin: germline.

Women's Health and Genetics/Laboratory Corporation of America, LabCorp
Classification: Benign. Last evaluated: 2023-08-10. Review status: criteria provided, single submitter. Criteria: LabCorp Variant Classification Summary - May 2015. Collection method: clinical testing. Allele origin: germline.

GeneDx
Classification: Likely benign. Last evaluated: 2021-11-04. Review status: criteria provided, single submitter. Criteria: GeneDx Variant Classification Process June 2021. Collection method: clinical testing. Allele origin: germline. Affected: yes.

Ambry Genetics
Classification: Benign for Familial thoracic aortic aneurysm and aortic dissection. Last evaluated: 2020-04-13. Review status: criteria provided, single submitter. Criteria: Ambry Variant Classification Scheme 2023. Collection method: clinical testing. Allele origin: germline.

Eurofins Ntd Llc (ga)
Classification: Benign. Last evaluated: 2015-05-22. Review status: criteria provided, single submitter. Criteria: EGL Classification Definitions 2015. Collection method: clinical testing. Allele origin: germline. Observed: 1 variant allele, 1 heterozygote.

Breakthrough Genomics
Classification: Likely benign. Review status: criteria provided, single submitter. Criteria: ACMG Guidelines, 2015. Collection method: not provided. Allele origin: germline. Inheritance: Autosomal dominant inheritance. Affected: yes.

PreventionGenetics, part of Exact Sciences
Classification: Likely benign for COL5A2-related condition. Last evaluated: 2021-05-05. Review status: no assertion criteria provided. Collection method: clinical testing. Allele origin: germline. Not counted in ClinVar's aggregate classification.
Comment: This variant is classified as likely benign based on ACMG/AMP sequence variant interpretation guidelines (Richards et al. 2015 PMID: 25741868, with internal and published modifications).